The following is an entry in ClinVar:

ClinVar aggregate classification (germline): Conflicting classifications of pathogenicity. Review status: criteria provided, conflicting classifications (1 of 4 stars). 3 submissions from 3 submitters: Uncertain significance (2); Likely benign (1). Last evaluated 2023-10-16.

Conditions:
Hereditary cancer-predisposing syndrome. Also called: Hereditary Cancer Syndrome; Hereditary neoplastic syndrome; Neoplastic Syndromes, Hereditary; Tumor predisposition. Identifiers: Orphanet 140162, MedGen C0027672, MeSH D009386, MONDO:0015356.
Hereditary breast ovarian cancer syndrome. Also called: Hereditary breast and ovarian cancer syndrome (HBOC); Hereditary breast and ovarian cancer syndrome; Breast and ovarian cancer; Hereditary breast and/or ovarian cancer syndrome; Hereditary breast and ovarian cancer; BRCA1- and BRCA2-Associated Hereditary Breast and Ovarian Cancer. Identifiers: Orphanet 145, MedGen C0677776, MeSH D061325, MONDO:0003582. Disease mechanism: loss of function.

Allele frequency attached by ClinVar (database versions not stated): gnomAD exomes below 0.00001.
gnomAD v4.1: 1 of 1,612,094 alleles (0.000062%); highest among the groups gnomAD compares: Non-Finnish European, 0.000085%; no homozygotes.

Submissions (3):

Ambry Genetics
Classification: Uncertain significance for Hereditary cancer-predisposing syndrome. Last evaluated: 2023-10-16. Review status: criteria provided, single submitter. Criteria: Ambry Variant Classification Scheme 2023. Collection method: clinical testing. Allele origin: germline.
Comment: The p.K1474E variant (also known as c.4420A>G), located in coding exon 10 of the BRCA2 gene, results from an A to G substitution at nucleotide position 4420. The lysine at codon 1474 is replaced by glutamic acid, an amino acid with similar properties. This amino acid position is not well conserved in available vertebrate species. In addition, this alteration is predicted to be tolerated by in silico analysis. Since supporting evidence is limited at this time, the clinical significance of this alteration remains unclear.

University of Washington Department of Laboratory Medicine, University of Washington
Classification: Likely benign for Hereditary cancer-predisposing syndrome. Last evaluated: 2023-03-23. Review status: criteria provided, single submitter. Criteria: Dines et al. (Genet Med. 2020). Collection method: curation. Allele origin: germline.
Comment: Missense variant in a coldspot region where missense variants are very unlikely to be pathogenic (PMID:31911673).

BRCA2 exon 11 coldspot. Reclassification based on statistical prior probability.

Labcorp Genetics (formerly Invitae), Labcorp
Classification: Uncertain significance for Hereditary breast ovarian cancer syndrome. Last evaluated: 2022-06-16. Review status: criteria provided, single submitter. Criteria: Invitae Variant Classification Sherloc (09022015). Collection method: clinical testing. Allele origin: germline.
Comment: In summary, the available evidence is currently insufficient to determine the role of this variant in disease. Therefore, it has been classified as a Variant of Uncertain Significance. Advanced modeling of protein sequence and biophysical properties (such as structural, functional, and spatial information, amino acid conservation, physicochemical variation, residue mobility, and thermodynamic stability) performed at Invitae indicates that this missense variant is not expected to disrupt BRCA2 protein function. This variant has not been reported in the literature in individuals affected with BRCA2-related conditions. This variant is not present in population databases (gnomAD no frequency). This sequence change replaces lysine, which is basic and polar, with glutamic acid, which is acidic and polar, at codon 1474 of the BRCA2 protein (p.Lys1474Glu).

NM_000059.4(BRCA2):c.4420A>G (p.Lys1474Glu)

Gene: BRCA2 (BRCA2 DNA repair associated; plus strand). Cytogenetic location: 13q13.1.
Variant type: single nucleotide variant.
Coding change: c.4420A>G on transcript NM_000059.4 (MANE Select); coding-DNA position 4420, A replaced by G.
Protein change: p.Lys1474Glu; replaces lysine 1474 with glutamic acid.
Molecular consequence: missense variant.
Genome position (GRCh38, 1-based): chr13:32,338,775, A>G. VCF-style: chr13-32338775-A-G. GRCh37 (hg19) VCF-style: chr13-32912912-A-G.
Other names: c.4420A>G, p.Lys1474Glu (NM_001406719.1, NM_001406720.1); short protein forms K1474E.
Identifiers: ClinVar variation 1740483 (VCV001740483.9), dbSNP rs2137506148, ClinGen allele CA387781231.